The following is an entry in ClinVar:

NM_173814.6(PRTG):c.676+8del

Gene: PRTG (protogenin; minus strand). Cytogenetic location: 15q21.3.
Variant type: Deletion.
Coding change: c.676+8del on transcript NM_173814.6 (MANE Select); 8 bases into the intron after coding-DNA position 676, one base deleted (G; older notation c.676+8delG).
Molecular consequence: intron variant.
Genome position (GRCh38, 1-based): chr15:55,682,356, C deleted on the plus strand (G on the coding strand, the reverse complement: PRTG is on the minus strand). VCF-style (leftmost placement, unchanged base first): chr15-55682355-GC-G. GRCh37 (hg19) VCF-style: chr15-55974553-GC-G.
Identifiers: ClinVar variation 3250509 (VCV003250509.18), dbSNP rs558112036.

ClinVar aggregate classification (germline): Likely benign (1 of 4 stars; one submission).

Allele frequency attached by ClinVar (database versions not stated): 1000 Genomes Project 0.00060; gnomAD exomes 0.00070; ESP Exome Variant Server 0.00078; ExAC 0.00086; gnomAD 0.00089; TOPMed 0.00094.

Submission:

CeGaT Center for Human Genetics Tuebingen
Classification: Likely benign. Last evaluated: 2024-06-01. Review status: criteria provided, single submitter. Criteria: CeGaT Center For Human Genetics Tuebingen Variant Classification Criteria Version 2. Collection method: clinical testing. Allele origin: germline. Affected: yes. Observed: 1 variant allele.
Comment: PRTG: BP4, BS2